The following is an entry in ClinVar:

NM_205861.3(DHDDS):c.176C>T (p.Ala59Val)

Gene: DHDDS (dehydrodolichyl diphosphate synthase subunit; plus strand). Cytogenetic location: 1p36.11.
Variant type: single nucleotide variant.
Coding change: c.176C>T on transcript NM_205861.3 (MANE Select); coding-DNA position 176, C replaced by T.
Protein change: p.Ala59Val; replaces alanine 59 with valine.
Molecular consequence: missense variant. On other transcripts: 5 prime UTR variant (1).
Genome position (GRCh38, 1-based): chr1:26,438,280, C>T. VCF-style: chr1-26438280-C-T. GRCh37 (hg19) VCF-style: chr1-26764771-C-T.
Other names: c.176C>T, p.Ala59Val (NM_001243564.2, NM_001243565.2, NM_024887.4); c.-127C>T (NM_001319959.2); short protein forms A59V.
Identifiers: ClinVar variation 4745745 (VCV004745745.1).

ClinVar aggregate classification (germline): Uncertain significance (1 of 4 stars; one submission).

Conditions:
Retinitis pigmentosa 59 (RP59). Identifiers: Orphanet 791, MedGen C3151227, MONDO:0013468, OMIM 613861.

Submission:

Labcorp Genetics (formerly Invitae), Labcorp
Classification: Uncertain significance for Retinitis pigmentosa 59. Last evaluated: 2025-11-02. Review status: criteria provided, single submitter. Criteria: Invitae Variant Classification Sherloc (09022015). Collection method: clinical testing. Allele origin: germline.
Comment: This sequence change replaces alanine, which is neutral and non-polar, with valine, which is neutral and non-polar, at codon 59 of the DHDDS protein (p.Ala59Val). This variant is not present in population databases (gnomAD no frequency). This variant has not been reported in the literature in individuals affected with DHDDS-related conditions. Invitae Evidence Modeling of protein sequence and biophysical properties (such as structural, functional, and spatial information, amino acid conservation, physicochemical variation, residue mobility, and thermodynamic stability) indicates that this missense variant is not expected to disrupt DHDDS protein function with a negative predictive value of 80%. In summary, the available evidence is currently insufficient to determine the role of this variant in disease. Therefore, it has been classified as a Variant of Uncertain Significance.